The following is an entry in ClinVar:

NM_001378120.1(MBD5):c.4112G>A (p.Ser1371Asn)

Gene: MBD5 (methyl-CpG binding domain protein 5; plus strand). Cytogenetic location: 2q23.1.
Variant type: single nucleotide variant.
Coding change: c.4112G>A on transcript NM_001378120.1 (MANE Select); coding-DNA position 4112, G replaced by A.
Protein change: p.Ser1371Asn; replaces serine 1371 with asparagine.
Molecular consequence: missense variant.
Genome position (GRCh38, 1-based): chr2:148,489,744, G>A. VCF-style: chr2-148489744-G-A. GRCh37 (hg19) VCF-style: chr2-149247313-G-A.
Other names: c.3413G>A, p.Ser1138Asn (NM_018328.5); short protein forms S1138N, S1371N.
Identifiers: ClinVar variation 1027037 (VCV001027037.7), dbSNP rs1037868450, ClinGen allele CA57596646.

ClinVar aggregate classification (germline): Uncertain significance (1 of 4 stars; one submission).

Conditions:
Intellectual developmental disorder, autosomal dominant 1. Also called: Intellectual disability, autosomal dominant 1; MBD5 Haploinsufficiency. Identifiers: Orphanet 228402, MedGen C1969562, MONDO:0007974, OMIM 156200.

Allele frequency attached by ClinVar (database versions not stated): gnomAD 0.00001; gnomAD exomes 0.00001.
gnomAD v4.1: 3 of 1,614,056 alleles (0.00019%); highest among the groups gnomAD compares: Admixed American, 0.005%; no homozygotes.

Submission:

Labcorp Genetics (formerly Invitae), Labcorp
Classification: Uncertain significance for Intellectual developmental disorder, autosomal dominant 1. Last evaluated: 2025-02-28. Review status: criteria provided, single submitter. Criteria: Invitae Variant Classification Sherloc (09022015). Collection method: clinical testing. Allele origin: germline.
Comment: This sequence change replaces serine, which is neutral and polar, with asparagine, which is neutral and polar, at codon 1138 of the MBD5 protein (p.Ser1138Asn). This variant is present in population databases (no rsID available, gnomAD 0.006%). This variant has not been reported in the literature in individuals affected with MBD5-related conditions. ClinVar contains an entry for this variant (Variation ID: 1027037). Experimental studies and prediction algorithms are not available or were not evaluated, and the functional significance of this variant is currently unknown. In summary, the available evidence is currently insufficient to determine the role of this variant in disease. Therefore, it has been classified as a Variant of Uncertain Significance.